The following is an entry in ClinVar:

ClinVar aggregate classification (germline): Uncertain significance (1 of 4 stars; one submission).

Conditions:
ARHGAP31-related disorder. Also called: ARHGAP31-related condition.

gnomAD v4.1: 7 of 1,614,096 alleles (0.00043%); highest among the groups gnomAD compares: East Asian, 0.0022%; no homozygotes.

Submission:

PreventionGenetics, part of Exact Sciences
Classification: Uncertain significance for ARHGAP31-related condition. Last evaluated: 2024-12-30. Review status: criteria provided, single submitter. Criteria: ACMG Guidelines, 2015. Collection method: clinical testing. Allele origin: germline.
Comment: The ARHGAP31 c.3929G>A variant is predicted to result in the amino acid substitution p.Arg1310His. To our knowledge, this variant has not been reported in the literature. This variant is reported in 0.0041% of alleles in individuals of African descent in gnomAD. At this time, the clinical significance of this variant is uncertain due to the absence of conclusive functional and genetic evidence.

NM_020754.4(ARHGAP31):c.3929G>A (p.Arg1310His)

Gene: ARHGAP31 (Rho GTPase activating protein 31; plus strand). Cytogenetic location: 3q13.33.
Variant type: single nucleotide variant.
Coding change: c.3929G>A on transcript NM_020754.4 (MANE Select); coding-DNA position 3929, G replaced by A.
Protein change: p.Arg1310His; replaces arginine 1310 with histidine.
Molecular consequence: missense variant.
Genome position (GRCh38, 1-based): chr3:119,415,858, G>A. VCF-style: chr3-119415858-G-A. GRCh37 (hg19) VCF-style: chr3-119134705-G-A.
Other names: short protein forms R1310H.
Identifiers: ClinVar variation 4987214 (VCV004987214.1).